The following is an entry in ClinVar:

ClinVar aggregate classification (germline): Uncertain significance (1 of 4 stars; one submission).

Submission:

Labcorp Genetics (formerly Invitae), Labcorp
Classification: Uncertain significance. Last evaluated: 2022-03-12. Review status: criteria provided, single submitter. Criteria: Invitae Variant Classification Sherloc (09022015). Collection method: clinical testing. Allele origin: germline.
Comment: In summary, the available evidence is currently insufficient to determine the role of this variant in disease. Therefore, it has been classified as a Variant of Uncertain Significance. Experimental studies and prediction algorithms are not available or were not evaluated, and the functional significance of this variant is currently unknown. This variant has not been reported in the literature in individuals affected with DMXL2-related conditions. This variant is present in population databases (rs375596756, gnomAD 0.0009%). This variant, c.9100_9102del, results in the deletion of 1 amino acid(s) of the DMXL2 protein (p.Leu3034del), but otherwise preserves the integrity of the reading frame.

NM_001378457.1(DMXL2):c.9163_9165del (p.Leu3055del)

Gene: DMXL2 (Dmx like 2; minus strand). Cytogenetic location: 15q21.2.
Variant type: Deletion.
Coding change: c.9163_9165del on transcript NM_001378457.1 (MANE Select); coding-DNA positions 9163 to 9165, 3 bases deleted (CTT; older notation c.9163_9165delCTT).
Protein change: p.Leu3055del; deletes leucine 3055.
Molecular consequence: inframe deletion. On other transcripts: non-coding transcript variant (2).
Genome position (GRCh38, 1-based): chr15:51,448,996-51,448,998, AAG deleted on the plus strand (CTT on the coding strand, the reverse complement: DMXL2 is on the minus strand); deleting any 3 consecutive bases within chr15:51,448,996-51,449,000 gives the same sequence; the c. name uses the placement nearest the transcript's 3' end. VCF-style (leftmost placement, unchanged base first): chr15-51448995-CAAG-C. GRCh37 (hg19) VCF-style: chr15-51741192-CAAG-C.
Other names: c.9100_9102del, p.Leu3034del (NM_001174116.3); c.7189_7191del, p.Leu2397del (NM_001174117.3); c.9160_9162del, p.Leu3054del (NM_001378458.1); c.8875_8877del, p.Leu2959del (NM_001378459.1); c.7078_7080del, p.Leu2360del (NM_001378460.1); c.9097_9099del, p.Leu3033del (NM_015263.5); short protein forms L3033del, L3055del, L2360del, L2397del, L3034del, L3054del, L2959del.
Identifiers: ClinVar variation 2102646 (VCV002102646.4), dbSNP rs375596756, ClinGen allele CA7560807.